The following is an entry in ClinVar:

NM_001365536.1(SCN9A):c.901+4A>C

Gene: SCN9A (sodium voltage-gated channel alpha subunit 9; minus strand). Cytogenetic location: 2q24.3.
Variant type: single nucleotide variant.
Coding change: c.901+4A>C on transcript NM_001365536.1 (MANE Select); 4 bases into the intron after coding-DNA position 901, A replaced by C.
Molecular consequence: intron variant.
Genome position (GRCh38, 1-based): chr2:166,303,086, T>G on the plus strand (A>C on the coding strand, the complement: SCN9A is on the minus strand). VCF-style: chr2-166303086-T-G. GRCh37 (hg19) VCF-style: chr2-167159596-T-G.
Other names: c.901+4A>C (NM_002977.4).
Identifiers: ClinVar variation 956002 (VCV000956002.8), dbSNP rs1698626784, ClinGen allele CA1139655639.
Genomic context (GRCh38, chr2:166,303,086, plus strand): 5'-ATTAAAAGAGAGCAATGTTTTTAGCATTATTTCAACCTAATAACAAATGCAAGGACATTC[T>G]TACTTCTAAAGTCTTCTTCACTCTCTAGGGTATTCATTATGCTTTCTAATGTTTCATTAT-3'

ClinVar aggregate classification (germline): Uncertain significance (1 of 4 stars; one submission).

Conditions:
Generalized epilepsy with febrile seizures plus, type 7 (GEFSP7). Also called: GEFS+, TYPE 7. Identifiers: Orphanet 36387, MedGen C2751778, MONDO:0013470, OMIM 613863.
Neuropathy, hereditary sensory and autonomic, type 2A (HSAN2A). Also called: HSAN IIA; NEUROPATHY, CONGENITAL SENSORY; MORVAN DISEASE; NEUROPATHY, HEREDITARY SENSORY RADICULAR, AUTOSOMAL RECESSIVE; NEUROPATHY, HEREDITARY SENSORY, TYPE IIA; NEUROPATHY, PROGRESSIVE SENSORY, OF CHILDREN. Identifiers: Orphanet 970, MedGen C2752089, MONDO:0024309, OMIM 201300.

Submission:

Labcorp Genetics (formerly Invitae), Labcorp
Classification: Uncertain significance for Neuropathy, hereditary sensory and autonomic, type 2A; Generalized epilepsy with febrile seizures plus, type 7. Last evaluated: 2022-06-03. Review status: criteria provided, single submitter. Criteria: Invitae Variant Classification Sherloc (09022015). Collection method: clinical testing. Allele origin: germline.
Comment: This variant is not present in population databases (gnomAD no frequency). This sequence change falls in intron 7 of the SCN9A gene. It does not directly change the encoded amino acid sequence of the SCN9A protein. It affects a nucleotide within the consensus splice site. This variant has not been reported in the literature in individuals affected with SCN9A-related conditions. ClinVar contains an entry for this variant (Variation ID: 956002). Variants that disrupt the consensus splice site are a relatively common cause of aberrant splicing (PMID: 17576681, 9536098). Algorithms developed to predict the effect of sequence changes on RNA splicing suggest that this variant is not likely to affect RNA splicing. In summary, the available evidence is currently insufficient to determine the role of this variant in disease. Therefore, it has been classified as a Variant of Uncertain Significance.

Literature cited by the submitters: PubMed 17576681; PubMed 9536098.